The following is an entry in ClinVar:

ClinVar aggregate classification (germline): Uncertain significance (1 of 4 stars; one submission).

Conditions:
Left ventricular noncompaction 1 (LVNC1). Also called: LEFT VENTRICULAR NONCOMPACTION 1 WITH OR WITHOUT CONGENITAL HEART DEFECTS. Identifiers: Orphanet 54260, MedGen C1858725, MONDO:0011403, OMIM 604169.

gnomAD v4.1: 5 of 1,614,100 alleles (0.00031%); highest among the groups gnomAD compares: Non-Finnish European, 0.00042%; no homozygotes.

Submission:

Labcorp Genetics (formerly Invitae), Labcorp
Classification: Uncertain significance for Left ventricular noncompaction 1. Last evaluated: 2022-05-04. Review status: criteria provided, single submitter. Criteria: Invitae Variant Classification Sherloc (09022015). Collection method: clinical testing. Allele origin: germline.
Comment: In summary, the available evidence is currently insufficient to determine the role of this variant in disease. Therefore, it has been classified as a Variant of Uncertain Significance. Algorithms developed to predict the effect of missense changes on protein structure and function are either unavailable or do not agree on the potential impact of this missense change (SIFT: "Deleterious"; PolyPhen-2: "Probably Damaging"; Align-GVGD: "Class C0"). This variant has not been reported in the literature in individuals affected with DTNA-related conditions. This variant is not present in population databases (gnomAD no frequency). This sequence change replaces proline, which is neutral and non-polar, with histidine, which is basic and polar, at codon 503 of the DTNA protein (p.Pro503His).

NM_001386795.1(DTNA):c.1589C>A (p.Pro530His)

Gene: DTNA (dystrobrevin alpha; plus strand). Cytogenetic location: 18q12.1.
Variant type: single nucleotide variant.
Coding change: c.1589C>A on transcript NM_001386795.1 (MANE Select); coding-DNA position 1589, C replaced by A.
Protein change: p.Pro530His; replaces proline 530 with histidine.
Molecular consequence: missense variant.
Genome position (GRCh38, 1-based): chr18:34,858,341, C>A. VCF-style: chr18-34858341-C-A. GRCh37 (hg19) VCF-style: chr18-32438305-C-A.
Other names: c.1328C>A, p.Pro443His (NM_001198938.2, NM_001198939.2, NM_001198940.2 and 9 more transcripts); c.635C>A, p.Pro212His (NM_001198942.1); c.578C>A, p.Pro193His (NM_001198943.1); c.464C>A, p.Pro155His (NM_001198944.1); c.758C>A, p.Pro253His (NM_001198945.2); c.1418C>A, p.Pro473His (NM_001386754.1, NM_001386755.1, NM_001386770.1 and 4 more transcripts); c.1325C>A, p.Pro442His (NM_001386768.1, NM_001386769.1, NM_001386773.1 and 1 more transcripts); c.1589C>A, p.Pro530His (NM_001386788.1); and 7 more; short protein forms P155H, P445H, P125H, P193H, P443H, P446H, P503H, P530H.
Identifiers: ClinVar variation 2172756 (VCV002172756.4), dbSNP rs2096576907, ClinGen allele CA402175550.
Genomic context (GRCh38, chr18:34,858,341, plus strand): 5'-CAAGAGAAATCTTACAGGAGATCCAGAGACTTCGGCTAGAGCATGAACAAGCTTCTCAGC[C>A]CACGCCAGAGAAGGCACAGCAAAACCCCACCCTGCTGGCAGAACTCCGGCTCCTCAGGTA-3'
Protein context (NP_001373724.1, residues 520-540): LRLEHEQASQ[Pro530His]TPEKAQQNPT